The following is an entry in ClinVar:

ClinVar aggregate classification (germline): Conflicting classifications of pathogenicity. Review status: criteria provided, conflicting classifications (1 of 4 stars). 7 submissions from 7 submitters: Uncertain significance (4); Likely benign (3). Last evaluated 2026-06-15.

Conditions:
MTFMT-related disorder. Also called: MTFMT-related condition.
Inborn genetic diseases. Identifiers: MedGen C0950123, MeSH D030342.

Allele frequency attached by ClinVar (database versions not stated): gnomAD 0.00010 and 0.00018; ExAC 0.00012; gnomAD exomes 0.00017; TOPMed 0.00017; 1000 Genomes Project 30x 0.00047.
gnomAD v4.1: 179 of 1,451,892 alleles (0.012%); highest among the groups gnomAD compares: Middle Eastern, 0.54%; 1 homozygote.

Submissions (7):

PreventionGenetics, part of Exact Sciences
Classification: Uncertain significance for MTFMT-related condition. Last evaluated: 2026-06-15. Review status: criteria provided, single submitter. Criteria: ACMG Guidelines, 2015. Collection method: clinical testing. Allele origin: germline.
Comment: The MTFMT c.17G>C variant is predicted to result in the amino acid substitution p.Arg6Pro. This variant was reported in the homozygous state in an individual with combined oxidative phosphorylation deficiency 15 (Makrythanasis et al. 2014. PubMed ID: 25044680). This variant is reported in 0.037% of alleles in individuals of Latino descent in gnomAD. At this time, the clinical significance of this variant is uncertain due to the absence of conclusive functional and genetic evidence.

CeGaT Center for Human Genetics Tuebingen
Classification: Likely benign. Last evaluated: 2025-12-01. Review status: criteria provided, single submitter. Criteria: CeGaT Center For Human Genetics Tuebingen Variant Classification Criteria Version 2. Collection method: clinical testing. Allele origin: germline. Affected: yes. Observed: 1 variant allele.
Comment: MTFMT: BS2

Blueprint Genetics
Classification: Likely benign. Last evaluated: 2024-11-20. Review status: criteria provided, single submitter. Criteria: ACMG Guidelines, 2015. Collection method: clinical testing. Allele origin: germline.

Labcorp Genetics (formerly Invitae), Labcorp
Classification: Uncertain significance. Last evaluated: 2023-11-27. Review status: criteria provided, single submitter. Criteria: Invitae Variant Classification Sherloc (09022015). Collection method: clinical testing. Allele origin: germline.
Comment: This sequence change replaces arginine, which is basic and polar, with proline, which is neutral and non-polar, at codon 6 of the MTFMT protein (p.Arg6Pro). This variant is present in population databases (rs771777757, gnomAD 0.04%). This variant has not been reported in the literature in individuals affected with MTFMT-related conditions. ClinVar contains an entry for this variant (Variation ID: 516309). An algorithm developed to predict the effect of missense changes on protein structure and function (PolyPhen-2) suggests that this variant is likely to be disruptive. In summary, the available evidence is currently insufficient to determine the role of this variant in disease. Therefore, it has been classified as a Variant of Uncertain Significance.

Ambry Genetics
Classification: Uncertain significance for Inborn genetic diseases. Last evaluated: 2021-06-06. Review status: criteria provided, single submitter. Criteria: Ambry Variant Classification Scheme 2023. Collection method: clinical testing. Allele origin: germline.
Comment: The c.17G>C (p.R6P) alteration is located in exon 1 (coding exon 1) of the MTFMT gene. This alteration results from a G to C substitution at nucleotide position 17, causing the arginine (R) at amino acid position 6 to be replaced by a proline (P). (Makrythanasis, 2014) Based on insufficient or conflicting evidence, the clinical significance of this alteration remains unclear.

Revvity Omics, Revvity
Classification: Uncertain significance. Last evaluated: 2020-04-04. Review status: criteria provided, single submitter. Criteria: ACMG Guidelines, 2015. Collection method: clinical testing. Allele origin: germline.

GeneDx
Classification: Likely benign. Last evaluated: 2019-12-20. Review status: criteria provided, single submitter. Criteria: GeneDx Variant Classification Process June 2021. Collection method: clinical testing. Allele origin: germline. Affected: yes.
Comment: This variant is associated with the following publications: (PMID: 25044680)

Literature cited by the submitters: PubMed 25044680 (cited by Ambry Genetics).

NM_139242.4(MTFMT):c.17G>C (p.Arg6Pro)

Gene: MTFMT (mitochondrial methionyl-tRNA formyltransferase; minus strand). Cytogenetic location: 15q22.31.
Variant type: single nucleotide variant.
Coding change: c.17G>C on transcript NM_139242.4 (MANE Select); coding-DNA position 17, G replaced by C.
Protein change: p.Arg6Pro; replaces arginine 6 with proline.
Molecular consequence: missense variant.
Genome position (GRCh38, 1-based): chr15:65,029,597, C>G on the plus strand (G>C on the coding strand, the complement: MTFMT is on the minus strand). VCF-style: chr15-65029597-C-G. GRCh37 (hg19) VCF-style: chr15-65321935-C-G.
Other names: short protein forms R6P.
Identifiers: ClinVar variation 516309 (VCV000516309.19), dbSNP rs771777757, ClinGen allele CA7613442.
Genomic context (GRCh38, chr15:65,029,597, plus strand): 5'-CACTGGGGACTCGGCCTCCCACGCCTGGCGCCATGAGCCAGCGGAGGACCCCAACAGCGC[C>G]GCACCAACACCCTCATCGCCTCGGCCGCCGGCGGCCGGCCCTGCGCAGGCGCATCGGGGC-3'
Protein context (NP_640335.2, residues 1-16): MRVLV[Arg6Pro]RCWGPPLAHG